The following is an entry in ClinVar:

NM_005097.4(LGI1):c.1219C>T (p.Arg407Cys)

Gene: LGI1 (leucine rich glioma inactivated 1; plus strand). Cytogenetic location: 10q23.33.
Variant type: single nucleotide variant.
Coding change: c.1219C>T on transcript NM_005097.4 (MANE Select); coding-DNA position 1219, C replaced by T.
Protein change: p.Arg407Cys; replaces arginine 407 with cysteine.
Molecular consequence: missense variant. On other transcripts: non-coding transcript variant (1), intron variant (1).
Genome position (GRCh38, 1-based): chr10:93,797,348, C>T. VCF-style: chr10-93797348-C-T. GRCh37 (hg19) VCF-style: chr10-95557105-C-T.
Other names: c.1075C>T, p.Arg359Cys (NM_001308276.2); c.839-401C>T (NM_001308275.2); short protein forms R359C, R407C.
Identifiers: ClinVar variation 2136922 (VCV002136922.6), dbSNP rs759897282, ClinGen allele CA5611238.

ClinVar aggregate classification (germline): Uncertain significance. Review status: criteria provided, multiple submitters, no conflicts (2 of 4 stars). 2 submissions from 2 submitters: Uncertain significance (2). Last evaluated 2024-08-13.

Conditions:
Epilepsy, familial temporal lobe, 1. Identifiers: Orphanet 101046, MedGen CN030884, MONDO:0700090, OMIM 600512.
Autosomal dominant epilepsy with auditory features. Identifiers: Orphanet 101046, MedGen C1838062, MONDO:0010898.

Allele frequency attached by ClinVar (database versions not stated): gnomAD 0.00001; ExAC 0.00003.

Submissions (2):

Labcorp Genetics (formerly Invitae), Labcorp
Classification: Uncertain significance for Autosomal dominant epilepsy with auditory features. Last evaluated: 2024-08-13. Review status: criteria provided, single submitter. Criteria: Invitae Variant Classification Sherloc (09022015). Collection method: clinical testing. Allele origin: germline.
Comment: This sequence change replaces arginine, which is basic and polar, with cysteine, which is neutral and slightly polar, at codon 407 of the LGI1 protein (p.Arg407Cys). This variant is present in population databases (rs759897282, gnomAD 0.01%). This missense change has been observed in individual(s) with LGI1-related conditions (PMID: 21444903). It has also been observed to segregate with disease in related individuals. ClinVar contains an entry for this variant (Variation ID: 2136922). Advanced modeling of protein sequence and biophysical properties (such as structural, functional, and spatial information, amino acid conservation, physicochemical variation, residue mobility, and thermodynamic stability) performed at Invitae indicates that this missense variant is not expected to disrupt LGI1 protein function with a negative predictive value of 80%. Experimental studies have shown that this missense change affects LGI1 function (PMID: 21444903, 27760137). In summary, the available evidence is currently insufficient to determine the role of this variant in disease. Therefore, it has been classified as a Variant of Uncertain Significance.

Juno Genomics, Hangzhou Juno Genomics, Inc
Classification: Uncertain significance for Epilepsy, familial temporal lobe, 1. Review status: criteria provided, single submitter. Criteria: ACMG Guidelines, 2015. Collection method: clinical testing. Allele origin: germline.
Comment: Absent from controls (or at extremely low frequency if recessive) in Genome Aggregation Database.;Multiple lines of computational evidence support a deleterious effect on the gene or gene product.

Literature cited by the submitters: PubMed 21444903 (cited by Labcorp Genetics (formerly Invitae), Labcorp); PubMed 27760137 (cited by Labcorp Genetics (formerly Invitae), Labcorp).